The following is an entry in ClinVar:

ClinVar aggregate classification (germline): Pathogenic/Likely pathogenic. Review status: criteria provided, multiple submitters, no conflicts (2 of 4 stars). 2 submissions from 2 submitters: Pathogenic (1); Likely pathogenic (1). Last evaluated 2025-05-02.

Conditions:
Neurofibromatosis, type 1 (NF1). Also called: Peripheral type neurofibromatosis; VON RECKLINGHAUSEN DISEASE; NEUROFIBROMATOSIS, TYPE I, SOMATIC; Neurofibromatosis, type I. Identifiers: Orphanet 636, MedGen C0027831, MONDO:0018975, OMIM 162200. Disease mechanism: loss of function.

Submissions (2):

GeneDx
Classification: Likely pathogenic. Last evaluated: 2025-05-02. Review status: criteria provided, single submitter. Criteria: GeneDx Variant Classification Process June 2021. Collection method: clinical testing. Allele origin: germline. Affected: yes.
Comment: Observed in an individual with suspected or clinically diagnosed neurofibromatosis type 1 in the published literature (PMID: 26740943); Not observed at significant frequency in large population cohorts (gnomAD); In silico analysis supports that this missense variant has a deleterious effect on protein structure/function; This variant is associated with the following publications: (PMID: 25486365, 2121369, 22807134, 26740943)

Labcorp Genetics (formerly Invitae), Labcorp
Classification: Pathogenic for Neurofibromatosis, type 1. Last evaluated: 2024-09-02. Review status: criteria provided, single submitter. Criteria: Invitae Variant Classification Sherloc (09022015). Collection method: clinical testing. Allele origin: germline.
Comment: This sequence change replaces threonine, which is neutral and polar, with alanine, which is neutral and non-polar, at codon 1175 of the NF1 protein (p.Thr1175Ala). This variant is not present in population databases (gnomAD no frequency). This missense change has been observed in individual(s) with neurofibromatosis type 1 (PMID: 26740943; internal data). In at least one individual the variant was observed to be de novo. ClinVar contains an entry for this variant (Variation ID: 956580). Invitae Evidence Modeling of protein sequence and biophysical properties (such as structural, functional, and spatial information, amino acid conservation, physicochemical variation, residue mobility, and thermodynamic stability) indicates that this missense variant is expected to disrupt NF1 protein function with a positive predictive value of 95%. For these reasons, this variant has been classified as Pathogenic.

Literature cited by the submitters: PubMed 26740943 (cited by Labcorp Genetics (formerly Invitae), Labcorp).

NM_001042492.3(NF1):c.3523A>G (p.Thr1175Ala)

Gene: NF1 (neurofibromin 1; plus strand). Cytogenetic location: 17q11.2.
Variant type: single nucleotide variant.
Coding change: c.3523A>G on transcript NM_001042492.3 (MANE Select); coding-DNA position 3523, A replaced by G.
Protein change: p.Thr1175Ala; replaces threonine 1175 with alanine.
Molecular consequence: missense variant.
Genome position (GRCh38, 1-based): chr17:31,233,028, A>G. VCF-style: chr17-31233028-A-G. GRCh37 (hg19) VCF-style: chr17-29560046-A-G.
Other names: c.3523A>G, p.Thr1175Ala (NM_000267.4); short protein forms T1175A.
Identifiers: ClinVar variation 956580 (VCV000956580.7), dbSNP rs2067141601, ClinGen allele CA398989778.
Genomic context (GRCh38, chr17:31,233,028, plus strand): 5'-TGTTAGTAAATTTGCATCTGTTTGTCCACATTAGGCTTAGGTTACCACAAGGATCTCCAG[A>G]CAAGAGCTACATTTATGGAAGTTCTGACAAAAATCCTTCAACAAGGCACAGAATTTGACA-3'
Protein context (NP_001035957.1, residues 1165-1185): IGLGYHKDLQ[Thr1175Ala]RATFMEVLTK